The following is an entry in ClinVar:

NM_020937.4(FANCM):c.3141G>T (p.Gln1047His)

Gene: FANCM (FA complementation group M; plus strand). Cytogenetic location: 14q21.2.
Variant type: single nucleotide variant.
Coding change: c.3141G>T on transcript NM_020937.4 (MANE Select); coding-DNA position 3141, G replaced by T.
Protein change: p.Gln1047His; replaces glutamine 1047 with histidine.
Molecular consequence: missense variant.
Genome position (GRCh38, 1-based): chr14:45,175,895, G>T. VCF-style: chr14-45175895-G-T. GRCh37 (hg19) VCF-style: chr14-45645098-G-T.
Other names: c.3063G>T, p.Gln1021His (NM_001308133.2); short protein forms Q1047H, Q1021H.
Identifiers: ClinVar variation 4022662 (VCV004022662.1).

ClinVar aggregate classification (germline): Uncertain significance (1 of 4 stars; one submission).

Conditions:
Inborn genetic diseases. Identifiers: MedGen C0950123, MeSH D030342.

Submission:

Ambry Genetics
Classification: Uncertain significance for Inborn genetic diseases. Last evaluated: 2025-04-06. Review status: criteria provided, single submitter. Criteria: Ambry Variant Classification Scheme 2023. Collection method: clinical testing. Allele origin: germline.
Comment: The p.Q1047H variant (also known as c.3141G>T), located in coding exon 14 of the FANCM gene, results from a G to T substitution at nucleotide position 3141. The glutamine at codon 1047 is replaced by histidine, an amino acid with highly similar properties. This amino acid position is conserved. In addition, this alteration is predicted to be tolerated by in silico analysis. Based on the available evidence, the clinical significance of this variant remains unclear.